The following is an entry in ClinVar:

ClinVar aggregate classification (germline): Uncertain significance. Review status: criteria provided, multiple submitters, no conflicts (2 of 4 stars). 2 submissions from 2 submitters: Uncertain significance (2). Last evaluated 2026-01-20.

gnomAD v4.1: 3 of 1,551,638 alleles (0.00019%); highest among the groups gnomAD compares: African/African-American, 0.0014%; no homozygotes.

Submissions (2):

Labcorp Genetics (formerly Invitae), Labcorp
Classification: Uncertain significance. Last evaluated: 2026-01-20. Review status: criteria provided, single submitter. Criteria: Invitae Variant Classification Sherloc (09022015). Collection method: clinical testing. Allele origin: germline.
Comment: This sequence change replaces valine, which is neutral and non-polar, with methionine, which is neutral and non-polar, at codon 1432 of the TET2 protein (p.Val1432Met). This variant is not present in population databases (gnomAD no frequency). This variant has not been reported in the literature in individuals affected with TET2-related conditions. ClinVar contains an entry for this variant (Variation ID: 4086739). An algorithm developed to predict the effect of missense changes on protein structure and function (PolyPhen-2) suggests that this variant is likely to be disruptive. In summary, the available evidence is currently insufficient to determine the role of this variant in disease. Therefore, it has been classified as a Variant of Uncertain Significance.

GeneDx
Classification: Uncertain significance. Last evaluated: 2025-03-17. Review status: criteria provided, single submitter. Criteria: GeneDx Variant Classification Process June 2021. Collection method: clinical testing. Allele origin: germline. Affected: yes.
Comment: Not observed at significant frequency in large population cohorts (gnomAD); In silico analysis indicates that this missense variant does not alter protein structure/function; Has not been previously published as pathogenic or benign to our knowledge

NM_001127208.3(TET2):c.4294G>A (p.Val1432Met)

Genes: TET2 (tet methylcytosine dioxygenase 2; plus strand), TET2-AS1 (TET2 antisense RNA 1; minus strand). Cytogenetic location: 4q24.
Variant type: single nucleotide variant.
Coding change: c.4294G>A on transcript NM_001127208.3 (MANE Select); coding-DNA position 4294, G replaced by A.
Protein change: p.Val1432Met; replaces valine 1432 with methionine.
Molecular consequence: missense variant.
Genome position (GRCh38, 1-based): chr4:105,272,675, G>A. VCF-style: chr4-105272675-G-A. GRCh37 (hg19) VCF-style: chr4-106193832-G-A.
Other names: short protein forms V1432M.
Identifiers: ClinVar variation 4086739 (VCV004086739.2).
Genomic context (GRCh38, chr4:105,272,675, plus strand): 5'-GATGAGCAGCTTCACGTTCTGCCTTTATACAAAGTCTCTGACGTGGATGAGTTTGGGAGT[G>A]TGGAAGCTCAGGAGGAGAAAAAACGGAGTGGTGCCATTCAGGTACTGAGTTCTTTTCGGC-3'
Protein context (NP_001120680.1, residues 1422-1442): KVSDVDEFGS[Val1432Met]EAQEEKKRSG